The following is an entry in ClinVar:

NM_005188.4(CBL):c.1003G>C (p.Gly335Arg)

Gene: CBL (Cbl proto-oncogene; plus strand). Cytogenetic location: 11q23.3.
Variant type: single nucleotide variant.
Coding change: c.1003G>C on transcript NM_005188.4 (MANE Select); coding-DNA position 1003, G replaced by C.
Protein change: p.Gly335Arg; replaces glycine 335 with arginine.
Molecular consequence: missense variant.
Genome position (GRCh38, 1-based): chr11:119,276,130, G>C. VCF-style: chr11-119276130-G-C. GRCh37 (hg19) VCF-style: chr11-119146840-G-C.
Other names: short protein forms G335R.
Identifiers: ClinVar variation 4868278 (VCV004868278.1).

ClinVar aggregate classification (germline): Uncertain significance (1 of 4 stars; one submission).

Conditions:
Cardiovascular phenotype. Identifiers: MedGen CN230736.

Submission:

Ambry Genetics
Classification: Uncertain significance for Cardiovascular phenotype. Last evaluated: 2026-06-05. Review status: criteria provided, single submitter. Criteria: Ambry Variant Classification Scheme 2023. Collection method: clinical testing. Allele origin: germline.
Comment: The p.G335R variant (also known as c.1003G>C), located in coding exon 6 of the CBL gene, results from a G to C substitution at nucleotide position 1003. The glycine at codon 335 is replaced by arginine, an amino acid with dissimilar properties. This amino acid position is conserved. In addition, this alteration is predicted to be deleterious by in silico analysis. Based on the available evidence, the clinical significance of this variant remains unclear.